The following is an entry in ClinVar:

NM_003482.4(KMT2D):c.2621G>C (p.Cys874Ser)

Gene: KMT2D (lysine methyltransferase 2D; minus strand). Cytogenetic location: 12q13.12.
Variant type: single nucleotide variant.
Coding change: c.2621G>C on transcript NM_003482.4 (MANE Select); coding-DNA position 2621, G replaced by C.
Protein change: p.Cys874Ser; replaces cysteine 874 with serine.
Molecular consequence: missense variant.
Genome position (GRCh38, 1-based): chr12:49,051,062, C>G on the plus strand (G>C on the coding strand, the complement: KMT2D is on the minus strand). VCF-style: chr12-49051062-C-G. GRCh37 (hg19) VCF-style: chr12-49444845-C-G.
Other names: short protein forms C874S.
Identifiers: ClinVar variation 2051625 (VCV002051625.6), dbSNP rs1937950462, ClinGen allele CA384665366.

ClinVar aggregate classification (germline): Conflicting classifications of pathogenicity. Review status: criteria provided, conflicting classifications (1 of 4 stars). 3 submissions from 3 submitters: Uncertain significance (1); Likely benign (2). Last evaluated 2026-09-09.

Conditions:
Kabuki syndrome. Also called: Kabuki make-up syndrome; NIIKAWA-KUROKI SYNDROME. Identifiers: Orphanet 2322, MedGen C0796004, MONDO:0016512.
KMT2D-related disorder. Also called: KMT2D-Related Disorders.

gnomAD v4.1: 15 of 1,530,298 alleles (0.00098%); highest among the groups gnomAD compares: South Asian, 0.0013%; no homozygotes.

Submissions (3):

PreventionGenetics, part of Exact Sciences
Classification: Uncertain significance for KMT2D-related condition. Last evaluated: 2026-09-09. Review status: criteria provided, single submitter. Criteria: ACMG Guidelines, 2015. Collection method: clinical testing. Allele origin: germline.
Comment: The KMT2D c.2621G>C variant is predicted to result in the amino acid substitution p.Cys874Ser. This variant has been reported in an individual with Kabuki syndrome; however, no clinical details were provided (Supplement, Faundes et al. 2019. PubMed ID: 30459467). This variant has not been reported in a large population database (gnomAD), indicating this variant is rare. At this time, the clinical significance of this variant is uncertain due to the absence of conclusive functional and genetic evidence.

Blueprint Genetics
Classification: Likely benign. Last evaluated: 2024-02-06. Review status: criteria provided, single submitter. Criteria: ACMG Guidelines, 2015. Collection method: clinical testing. Allele origin: germline.

Labcorp Genetics (formerly Invitae), Labcorp
Classification: Likely benign for Kabuki syndrome. Last evaluated: 2023-10-13. Review status: criteria provided, single submitter. Criteria: Invitae Variant Classification Sherloc (09022015). Collection method: clinical testing. Allele origin: germline.